The following is an entry in ClinVar:

NM_002778.4(PSAP):c.576+1G>A

Gene: PSAP (prosaposin; minus strand). Cytogenetic location: 10q22.1.
Variant type: single nucleotide variant.
Coding change: c.576+1G>A on transcript NM_002778.4 (MANE Select); the canonical splice donor site of the intron after coding-DNA position 576, G replaced by A.
Molecular consequence: splice donor variant.
Genome position (GRCh38, 1-based): chr10:71,828,876, C>T on the plus strand (G>A on the coding strand, the complement: PSAP is on the minus strand). VCF-style: chr10-71828876-C-T. GRCh37 (hg19) VCF-style: chr10-73588633-C-T.
Other names: c.576+1G>A (NM_001042466.3, NM_001042465.3, NM_002778.3).
Identifiers: ClinVar variation 1523203 (VCV001523203.6), dbSNP rs949729827, ClinGen allele CA209466523.
Genomic context (GRCh38, chr10:71,828,876, plus strand): 5'-TTGGTCTCTCATCTCCAGTGCAACCAAAAATGGGTCCTCAGTGGCCAGCCCGTTGTCTTA[C>T]CTTTGGCTGGGGCTTGCTGCGGGGGCCGTCCTGAGGGTAGAGGAGGAGAGGGATGTTGGC-3'

ClinVar aggregate classification (germline): Likely pathogenic. Review status: criteria provided, multiple submitters, no conflicts (2 of 4 stars). 2 submissions from 2 submitters: Likely pathogenic (2). Last evaluated 2025-10-06.

Conditions:
Sphingolipid activator protein 1 deficiency. Also called: Metachromatic leukodystrophy due to saposin B deficiency; Saposin B Deficiency; METACHROMATIC LEUKODYSTROPHY DUE TO CEREBROSIDE SULFATASE ACTIVATOR DEFICIENCY. Identifiers: Orphanet 512, MedGen C0268262, MONDO:0009590, OMIM 249900.
Metachromatic leukodystrophy (MLD). Also called: SULFATIDE LIPIDOSIS; ARSA DEFICIENCY; CEREBROSIDE SULFATASE DEFICIENCY; Cerebral sclerosis diffuse metachromatic form; Arylsulfatase A Deficiency; METACHROMATIC LEUKOENCEPHALOPATHY. Identifiers: Orphanet 512, MedGen C0023522, MONDO:0018868, OMIM 250100.

Allele frequency attached by ClinVar (database versions not stated): TOPMed below 0.00001; gnomAD 0.00001; gnomAD exomes 0.00001.

Submissions (2):

Labcorp Genetics (formerly Invitae), Labcorp
Classification: Likely pathogenic for Sphingolipid activator protein 1 deficiency. Last evaluated: 2025-10-06. Review status: criteria provided, single submitter. Criteria: Invitae Variant Classification Sherloc (09022015). Collection method: clinical testing. Allele origin: germline.
Comment: This sequence change affects a donor splice site in intron 5 of the PSAP gene. It is expected to disrupt RNA splicing. Variants that disrupt the donor or acceptor splice site typically lead to a loss of protein function (PMID: 16199547), and loss-of-function variants in PSAP are known to be pathogenic (PMID: 8554069, 11309366, 17616409, 19267410, 30632081). This variant is present in population databases (no rsID available, gnomAD 0.01%). This variant has not been reported in the literature in individuals affected with PSAP-related conditions. ClinVar contains an entry for this variant (Variation ID: 1523203). Experimental studies and prediction algorithms are not available or were not evaluated, and the functional significance of this variant is currently unknown. Algorithms developed to predict the effect of sequence changes on RNA splicing suggest that this variant may disrupt the consensus splice site. In summary, the currently available evidence indicates that the variant is pathogenic, but additional data are needed to prove that conclusively. Therefore, this variant has been classified as Likely Pathogenic.

Natera, Inc.
Classification: Likely pathogenic for Metachromatic leukodystrophy. Last evaluated: 2025-10-02. Review status: criteria provided, single submitter. Criteria: Natera Variant Classification Schema (03/2026). Collection method: clinical testing. Allele origin: germline.
Comment: The c.576+1G>A variant in PSAP is a canonical splice donor site variant predicted to affect pre-mRNA splicing, which may result in an abnormal transcript and altered protein product. This variant is expected to result in nonsense mediated decay, truncation, or a dysfunctional protein product. This variant is rare in the general population with a frequency below the threshold expected for the associated phenotype(s). Given the available evidence, this variant is classified as Likely Pathogenic.

Literature cited by the submitters: PubMed 16199547 (cited by Labcorp Genetics (formerly Invitae), Labcorp); PubMed 8554069 (cited by Labcorp Genetics (formerly Invitae), Labcorp); PubMed 11309366 (cited by Labcorp Genetics (formerly Invitae), Labcorp); PubMed 17616409 (cited by Labcorp Genetics (formerly Invitae), Labcorp); PubMed 19267410 (cited by Labcorp Genetics (formerly Invitae), Labcorp); PubMed 30632081 (cited by Labcorp Genetics (formerly Invitae), Labcorp).